The following is an entry in ClinVar:

ClinVar aggregate classification (germline): Pathogenic/Likely pathogenic. Review status: criteria provided, multiple submitters, no conflicts (2 of 4 stars). 3 submissions from 3 submitters: Pathogenic (1); Likely pathogenic (2). Last evaluated 2026-09-01.

Conditions:
Hereditary nonpolyposis colorectal neoplasms. Identifiers: MedGen C0009405, MeSH D003123.
Hereditary cancer-predisposing syndrome. Also called: Neoplastic Syndromes, Hereditary; Hereditary neoplastic syndrome; Hereditary Cancer Syndrome; Tumor predisposition. Identifiers: Orphanet 140162, MedGen C0027672, MeSH D009386, MONDO:0015356.
Lynch syndrome 5 (LYNCH5). Also called: Colorectal cancer, hereditary nonpolyposis, type 5; Hereditary non-polyposis colorectal cancer, type 5. Identifiers: Orphanet 144, MedGen C1833477, MONDO:0013710, OMIM 614350. Disease mechanism: loss of function.

Submissions (3):

Ambry Genetics
Classification: Likely pathogenic for Hereditary cancer-predisposing syndrome. Last evaluated: 2026-09-01. Review status: criteria provided, single submitter. Criteria: Ambry Variant Classification Scheme 2023. Collection method: clinical testing. Allele origin: germline.
Comment: The c.3173-1G>A intronic variant, results from a G to A substitution one nucleotide upstream from coding exon 5 of the MSH6 gene. This nucleotide position is highly conserved in available vertebrate species. In silico splice site analysis predicts that this alteration will weaken the native splice acceptor site. RNA studies have demonstrated that this alteration results in abnormal splicing in the set of samples tested (Ambry internal data). This variant is considered to be rare based on population cohorts in the Genome Aggregation Database (gnomAD). Alterations that disrupt the canonical splice site are expected to cause aberrant splicing, resulting in an abnormal protein or a transcript that is subject to nonsense-mediated mRNA decay. As such, this alteration is classified as likely pathogenic.

Labcorp Genetics (formerly Invitae), Labcorp
Classification: Pathogenic for Hereditary nonpolyposis colorectal neoplasms. Last evaluated: 2024-03-07. Review status: criteria provided, single submitter. Criteria: Invitae Variant Classification Sherloc (09022015). Collection method: clinical testing. Allele origin: germline.
Comment: This sequence change affects an acceptor splice site in intron 4 of the MSH6 gene. It is expected to disrupt RNA splicing. Variants that disrupt the donor or acceptor splice site typically lead to a loss of protein function (PMID: 16199547), and loss-of-function variants in MSH6 are known to be pathogenic (PMID: 18269114, 24362816). This variant is not present in population databases (gnomAD no frequency). Disruption of this splice site has been observed in individual(s) with clinical features of Lynch syndrome (Invitae). It has also been observed to segregate with disease in related individuals. ClinVar contains an entry for this variant (Variation ID: 428387). Algorithms developed to predict the effect of sequence changes on RNA splicing suggest that this variant may disrupt the consensus splice site. For these reasons, this variant has been classified as Pathogenic.

Myriad Genetics, Inc.
Classification: Likely pathogenic for Lynch syndrome 5. Last evaluated: 2023-08-22. Review status: criteria provided, single submitter. Criteria: Myriad Autosomal Dominant, Autosomal Recessive and X-Linked Classification Criteria (2023). Collection method: clinical testing. Allele origin: unknown.
Comment: This variant is considered likely pathogenic. This variant occurs within a consensus splice junction and is predicted to result in abnormal mRNA splicing of either an out-of-frame exon or an in-frame exon necessary for protein stability and/or normal function.

Literature cited by the submitters: PubMed 16199547 (cited by Labcorp Genetics (formerly Invitae), Labcorp); PubMed 18269114 (cited by Labcorp Genetics (formerly Invitae), Labcorp); PubMed 24362816 (cited by Labcorp Genetics (formerly Invitae), Labcorp).

NM_000179.3(MSH6):c.3173-1G>A

Gene: MSH6 (mutS homolog 6; plus strand). Cytogenetic location: 2p16.3.
Variant type: single nucleotide variant.
Coding change: c.3173-1G>A on transcript NM_000179.3 (MANE Select); the canonical splice acceptor site of the intron before coding-DNA position 3173, G replaced by A.
Molecular consequence: splice acceptor variant. On other transcripts: intron variant (1).
Genome position (GRCh38, 1-based): chr2:47,803,419, G>A. VCF-style: chr2-47803419-G-A. GRCh37 (hg19) VCF-style: chr2-48030558-G-A.
Other names: c.2267-1G>A (NM_001406815.1, NM_001406811.1, NM_001406829.1 and 6 more transcripts); c.2876-1G>A (NM_001406818.1, NM_001406821.1, NM_001406828.1 and 10 more transcripts); c.3173-1G>A (NM_001406809.1, NM_001406796.1, NM_001406808.1 and 1 more transcripts); c.3005-1G>A (NM_001406826.1); c.3269-1G>A (NM_001406795.1, NM_001406802.1); c.3179-1G>A (NM_001406813.1); c.2648-1G>A (NM_001406807.1, NM_001406799.1, NM_001406806.1); c.3173-175G>A (NM_001406798.1); and 7 more.
Identifiers: ClinVar variation 428387 (VCV000428387.14), dbSNP rs397515875, ClinGen allele CA346757809.